The following is an entry in ClinVar:

ClinVar aggregate classification (germline): Uncertain significance (1 of 4 stars; one submission).

gnomAD v4.1: 11 of 764,572 alleles (0.0014%); highest among the groups gnomAD compares: East Asian, 0.0048%; no homozygotes.

Submission:

Labcorp Genetics (formerly Invitae), Labcorp
Classification: Uncertain significance. Last evaluated: 2022-10-17. Review status: criteria provided, single submitter. Criteria: Invitae Variant Classification Sherloc (09022015). Collection method: clinical testing. Allele origin: germline.
Comment: This variant is present in population databases (no rsID available, gnomAD 0.01%). In summary, the available evidence is currently insufficient to determine the role of this variant in disease. Therefore, it has been classified as a Variant of Uncertain Significance. Experimental studies and prediction algorithms are not available or were not evaluated, and the functional significance of this variant is currently unknown. This variant has not been reported in the literature in individuals affected with SNORD118-related conditions. This variant occurs in the SNORD118 gene, which encodes an RNA molecule that does not result in a protein product.

NR_033294.2(SNORD118):n.114A>T

Genes: SNORD118 (small nucleolar RNA, C/D box 118; minus strand), TMEM107 (transmembrane protein 107; minus strand). Cytogenetic location: 17p13.1.
Variant type: single nucleotide variant.
Molecular consequence: non-coding transcript variant (on NR_033294.2). On other transcripts: 3 prime UTR variant (5).
Genome position: GRCh38 VCF-style: chr17-8173475-T-A. GRCh37 (hg19) VCF-style: chr17-8076793-T-A.
Other names: c.*728A>T (NM_001351278.2, NM_001351279.2, NM_001351280.2 and 2 more transcripts).
Identifiers: ClinVar variation 2102343 (VCV002102343.4), dbSNP rs569097222, ClinGen allele CA497957003.